The following is an entry in ClinVar:

ClinVar aggregate classification (germline): Conflicting classifications of pathogenicity. Review status: criteria provided, conflicting classifications (1 of 4 stars). 22 submissions from 21 submitters: Uncertain significance (14); Likely benign (1). 7 of the submissions do not count toward it. Last evaluated 2026-06-26.

Conditions:
RAD51C-related disorder. Also called: RAD51C-related condition; RAD51C-related disorders.
Breast-ovarian cancer, familial, susceptibility to, 3. Also called: RAD51C-Related Breast/Ovarian Cancer. Identifiers: Orphanet 145, MedGen C3150659, MONDO:0013253, OMIM 613399.
Fanconi anemia complementation group O. Also called: RAD51C-Related Fanconi Anemia. Identifiers: Orphanet 84, MedGen C3150653, MONDO:0013248, OMIM 613390.
Hereditary cancer-predisposing syndrome. Also called: Tumor predisposition; Neoplastic Syndromes, Hereditary; Hereditary neoplastic syndrome; Hereditary Cancer Syndrome. Identifiers: Orphanet 140162, MedGen C0027672, MeSH D009386, MONDO:0015356.
Carcinoma of colon (CRC). Also called: Colonic carcinoma; Colon carcinoma. Identifiers: MedGen C0699790, MONDO:0002032.
Premature menopause. Identifiers: MedGen C0025322, MONDO:0001119.

Allele frequency attached by ClinVar (database versions not stated): gnomAD 0.00010 and 0.00011; ExAC 0.00003; gnomAD exomes 0.00005 and 0.00015; ESP Exome Variant Server 0.00015; TOPMed 0.00011.
gnomAD v4.1: 229 of 1,614,096 alleles (0.014%); highest among the groups gnomAD compares: Middle Eastern, 0.28%; no homozygotes.

Submissions 1 to 8 of 22:

PreventionGenetics, part of Exact Sciences
Classification: Uncertain significance for RAD51C-related condition. Last evaluated: 2026-06-26. Review status: criteria provided, single submitter. Criteria: ACMG Guidelines, 2015. Collection method: clinical testing. Allele origin: germline.
Comment: The RAD51C c.431T>C variant is predicted to result in the amino acid substitution p.Ile144Thr. This variant has been reported in individuals with breast and/or ovarian cancer (Loveday et al. 2012. PubMed ID: 22538716; Jønson et al. 2016. PubMed ID: 26740214; Kushnir A et al 2012. PubMed ID: 23117857; Sopik V et al. 2015. PubMed ID: 25470109; Bu et al. 2022. PubMed ID: 36293153), but has not been reported in association with Fanconi anemia. Experimental studies are conflicting regarding this variants effect on homologous recombination repair (Supp. Table 1, Hu et al. 2023. PubMed ID: 37253112; Prakash et al. 2022. PubMed ID: 36099300). This variant is reported in 0.0077% of alleles in individuals of European (Non-Finnish) descent in gnomAD and has conflicting classifications in ClinVar ranging from uncertain to likely benign (Variation ID: 142840). At this time, the clinical significance of this variant is uncertain due to the absence of conclusive functional and genetic evidence.

Labcorp Genetics (formerly Invitae), Labcorp
Classification: Uncertain significance for Fanconi anemia complementation group O. Last evaluated: 2026-02-03. Review status: criteria provided, single submitter. Criteria: Invitae Variant Classification Sherloc (09022015). Collection method: clinical testing. Allele origin: germline.
Comment: This sequence change replaces isoleucine, which is neutral and non-polar, with threonine, which is neutral and polar, at codon 144 of the RAD51C protein (p.Ile144Thr). This variant is present in population databases (rs28363307, gnomAD 0.02%). This missense change has been observed in individual(s) with ovarian and/or breast cancer (PMID: 21537932, 22538716, 23117857, 25186627, 26261251, 26740214). ClinVar contains an entry for this variant (Variation ID: 142840). Invitae Evidence Modeling of protein sequence and biophysical properties (such as structural, functional, and spatial information, amino acid conservation, physicochemical variation, residue mobility, and thermodynamic stability) indicates that this missense variant is not expected to disrupt RAD51C protein function with a negative predictive value of 80%. In summary, the available evidence is currently insufficient to determine the role of this variant in disease. Therefore, it has been classified as a Variant of Uncertain Significance.

Women's Health and Genetics/Laboratory Corporation of America, LabCorp
Classification: Uncertain significance. Last evaluated: 2026-01-12. Review status: criteria provided, single submitter. Criteria: LabCorp Variant Classification Summary - May 2015. Collection method: clinical testing. Allele origin: germline.
Comment: Variant summary: RAD51C c.431T>C (p.Ile144Thr) results in a non-conservative amino acid change located in the Rad51-like, C-terminal domain of the encoded protein sequence. Algorithms developed to predict the effect of missense changes on protein structure and function are either unavailable or do not agree on the potential impact of this missense change. The variant allele was found at a frequency of 5.7e-05 in 282878 control chromosomes. This frequency is not significantly higher than estimated for disease-causing variants in RAD51C, allowing no conclusion about variant significance. c.431T>C has been observed in individual(s) affected with Hereditary Breast And/or Ovarian Cancer Syndrome (Bu_2022, Jonson_2016, Kushnir_2012, Lim_2022, Loveday_2012, Tung_2015, Weitzel_2019). These data indicate that the variant may be associated with disease. However, published functional studies demonstrate conflicting results with respect to homology-directed repair activity. The variant was HR proficient in Chinese hamster and MCF10A cells, but HR deficient in U2OS cells (Hu_2023, and Prakash_2022). The following publications have been ascertained in the context of this evaluation (PMID: 36293153, 26740214, 23117857, 35039523, 22538716, 25186627, 31206626, 36099300, 37253112). ClinVar contains an entry for this variant (Variation ID: 142840). Based on the evidence outlined above, the variant was classified as uncertain significance.

GeneDx
Classification: Uncertain significance. Last evaluated: 2025-09-30. Review status: criteria provided, single submitter. Criteria: GeneDx Variant Classification Process June 2021. Collection method: clinical testing. Allele origin: germline. Affected: yes.
Comment: In silico analysis supports that this missense variant has a deleterious effect on protein structure/function; Published functional studies demonstrate conflicting results with respect to homology-directed repair activity and binding to RAD51C partners (PMID: 37253112, 36099300); This variant is associated with the following publications: (PMID: 23117857, 25318351, 25470109, 26261251, 26740214, 21537932, 29522266, 20052722, 25186627, 30309722, 30924587, 33471991, 35402282, 35039523, 29641532, 36293153, 22538716, 28829762, 37306523, 34326862, 38511139, 35534704, 37253112, 36099300, 14704354)

Center for Genomic Medicine, Rigshospitalet, Copenhagen University Hospital
Classification: Uncertain significance. Last evaluated: 2025-03-04. Review status: criteria provided, single submitter. Criteria: ACMG Guidelines, 2015. Collection method: clinical testing. Allele origin: germline.

Quest Diagnostics Nichols Institute San Juan Capistrano
Classification: Uncertain significance. Last evaluated: 2025-01-24. Review status: criteria provided, single submitter. Criteria: Quest Diagnostics criteria. Collection method: clinical testing. Allele origin: unknown.
Comment: The RAD51C c.431T>C (p.Ile144Thr) variant has been reported in the published literature in individuals affected with breast and/or ovarian cancer (PMIDs: 21537932 (2011), 22538716 (2012), 23117857 (2012), 25186627 (2015), 29522266 (2018), 31206626 (2019), 33471991 (2021), 35884425 (2022), 36099300 (2022), see also LOVD), and endometrial cancer (PMID: 36293153 (2022)). The loss of the wild-type allele was observed in tumors (PMIDs: 31570899 (2019), 35039523 (2022)). One functional study showed this variant had reduced RAD51B/D binding (PMID: 36099300 (2022)) and another showed increased sensitivity to cisplatin and olaparib (PMID: 37253112 (2023)). With respect to DNA repair activity, this variant was described as being neutral or having intermediate function (PMID: 36099300 (2022), 37253112 (2023)). This variant has also been identified in reportedly healthy individuals (PMIDs: 26261251 (2015), 29641532 (2018), 33471991 (2021), 35534704 (2022), 35884425 (2022), see also LOVD). It was reported to occur with pathogenic variants in the BRCA1 gene (PMID: 34326862 (2021)) and in the PALB2 gene (Quest internal data), suggesting this variant may not be the primary cause of disease. The frequency of this variant in the general population (Genome Aggregation Database) is uninformative in the assessment of its pathogenicity. Based on the available information, we are unable to determine the clinical significance of this variant.

Blueprint Genetics
Classification: Uncertain significance. Last evaluated: 2024-10-21. Review status: criteria provided, single submitter. Criteria: ACMG Guidelines, 2015. Collection method: clinical testing. Allele origin: germline.

Ambry Genetics
Classification: Uncertain significance for Hereditary cancer-predisposing syndrome. Last evaluated: 2024-07-16. Review status: criteria provided, single submitter. Criteria: Ambry Variant Classification Scheme 2023. Collection method: clinical testing. Allele origin: germline.
Comment: The p.I144T variant (also known as c.431T>C), located in coding exon 3 of the RAD51C gene, results from a T to C substitution at nucleotide position 431. The isoleucine at codon 144 is replaced by threonine, an amino acid with similar properties. This alteration has been reported in individuals with personal and/or family histories of breast and/or ovarian cancer (Loveday C et al. Nat. Genet. 2012 May;44:475-6; author reply 476; Kushnir A et al. Breast Cancer Res. Treat. 2012 Dec;136:869-74; Tung N et al. Cancer. 2015 Jan;121:25-33; J&oslash;nson L et al. Breast Cancer Res. Treat. 2016 Jan;155:215-22). However, this alteration was not detected in 3429 patients with invasive epithelial ovarian cancer but was reported in 1 of 2772 controls (Song H et al. J. Clin. Oncol. 2015 Sep;33:2901-7). This amino acid position is well conserved in available vertebrate species. In addition, the in silico prediction for this alteration is inconclusive. Based on the available evidence, the clinical significance of this variant remains unclear.

NM_058216.3(RAD51C):c.431T>C (p.Ile144Thr)

Gene: RAD51C (RAD51 paralog C; plus strand). Cytogenetic location: 17q22.
Variant type: single nucleotide variant.
Coding change: c.431T>C on transcript NM_058216.3 (MANE Select); coding-DNA position 431, T replaced by C.
Protein change: p.Ile144Thr; replaces isoleucine 144 with threonine.
Molecular consequence: missense variant.
Genome position (GRCh38, 1-based): chr17:58,696,719, T>C. VCF-style: chr17-58696719-T-C. GRCh37 (hg19) VCF-style: chr17-56774080-T-C.
Other names: p.I144T:ATA>ACA; c.431T>C (LRG_314t1); short protein forms I144T.
Identifiers: ClinVar variation 142840 (VCV000142840.61), dbSNP rs28363307, ClinGen allele CA333284.